The following is an entry in ClinVar:

ClinVar aggregate classification (germline): Uncertain significance (1 of 4 stars; one submission).

Conditions:
RASopathy. Also called: rasopathies; Noonan spectrum disorder. Identifiers: Orphanet 536391, MedGen C5555857, MONDO:0021060.

gnomAD v4.1: 2 of 1,613,080 alleles (0.00012%); highest among the groups gnomAD compares: Non-Finnish European, 0.00017%; no homozygotes.

Submission:

Labcorp Genetics (formerly Invitae), Labcorp
Classification: Uncertain significance for RASopathy. Last evaluated: 2022-03-27. Review status: criteria provided, single submitter. Criteria: Invitae Variant Classification Sherloc (09022015). Collection method: clinical testing. Allele origin: germline.
Comment: In summary, the available evidence is currently insufficient to determine the role of this variant in disease. Therefore, it has been classified as a Variant of Uncertain Significance. Variants that disrupt the consensus splice site are a relatively common cause of aberrant splicing (PMID: 17576681, 9536098). Algorithms developed to predict the effect of sequence changes on RNA splicing suggest that this variant is not likely to affect RNA splicing. This variant has not been reported in the literature in individuals affected with CBL-related conditions. This variant is not present in population databases (gnomAD no frequency). This sequence change falls in intron 9 of the CBL gene. It does not directly change the encoded amino acid sequence of the CBL protein. It affects a nucleotide within the consensus splice site.

Literature cited by the submitters: PubMed 17576681; PubMed 9536098.

NM_005188.4(CBL):c.1431+6A>G

Gene: CBL (Cbl proto-oncogene; plus strand). Cytogenetic location: 11q23.3.
Variant type: single nucleotide variant.
Coding change: c.1431+6A>G on transcript NM_005188.4 (MANE Select); 6 bases into the intron after coding-DNA position 1431, A replaced by G.
Molecular consequence: intron variant.
Genome position (GRCh38, 1-based): chr11:119,278,719, A>G. VCF-style: chr11-119278719-A-G. GRCh37 (hg19) VCF-style: chr11-119149429-A-G.
Identifiers: ClinVar variation 2118095 (VCV002118095.4), dbSNP rs1949909771, ClinGen allele CA2580083737.